The following is an entry in ClinVar:

NM_201253.3(CRB1):c.2806G>T (p.Gly936Ter)

Gene: CRB1 (crumbs cell polarity complex component 1; plus strand). Cytogenetic location: 1q31.3.
Variant type: single nucleotide variant.
Coding change: c.2806G>T on transcript NM_201253.3 (MANE Select); coding-DNA position 2806, G replaced by T.
Protein change: p.Gly936Ter; replaces glycine 936 with a stop codon.
Molecular consequence: nonsense. On other transcripts: non-coding transcript variant (2), intron variant (1).
Genome position (GRCh38, 1-based): chr1:197,429,578, G>T. VCF-style: chr1-197429578-G-T. GRCh37 (hg19) VCF-style: chr1-197398708-G-T.
Other names: c.2470G>T, p.Gly824Ter (NM_001193640.2); c.2734G>T, p.Gly912Ter (NM_001257965.2); c.2129-6022G>T (NM_001257966.2); short protein forms G824*, G912*, G936*.
Identifiers: ClinVar variation 2008107 (VCV002008107.6), dbSNP rs181410446, ClinGen allele CA344041268.

ClinVar aggregate classification (germline): Pathogenic/Likely pathogenic. Review status: criteria provided, multiple submitters, no conflicts (2 of 4 stars). 3 submissions from 3 submitters: Pathogenic (1); Likely pathogenic (2). Last evaluated 2023-01-04.

Conditions:
CRB1-related disorder. Also called: CRB1-related condition; CRB1-related disorders.
Leber congenital amaurosis 8 (LCA8). Identifiers: Orphanet 65, MedGen C3151202, MONDO:0013453, OMIM 613835.
Retinitis pigmentosa 12 (RP12). Also called: RP WITH OR WITHOUT PRESERVED PARAARTERIOLE RETINAL PIGMENT EPITHELIUM; RETINITIS PIGMENTOSA WITH OR WITHOUT PARAARTERIOLAR PRESERVATION OF RETINAL PIGMENT EPITHELIUM; RP WITH OR WITHOUT PPRPE. Identifiers: Orphanet 791, MedGen C1838647, MONDO:0010818, OMIM 600105.

Submissions (3):

Baylor Genetics
Classification: Likely pathogenic for Leber congenital amaurosis 8. Last evaluated: 2023-01-04. Review status: criteria provided, single submitter. Criteria: ACMG Guidelines, 2015. Collection method: clinical testing. Allele origin: unknown.

Labcorp Genetics (formerly Invitae), Labcorp
Classification: Pathogenic for Leber congenital amaurosis 8; Retinitis pigmentosa 12. Last evaluated: 2022-06-18. Review status: criteria provided, single submitter. Criteria: Invitae Variant Classification Sherloc (09022015). Collection method: clinical testing. Allele origin: germline.
Comment: For these reasons, this variant has been classified as Pathogenic. Algorithms developed to predict the effect of sequence changes on RNA splicing suggest that this variant may disrupt the consensus splice site. This variant has not been reported in the literature in individuals affected with CRB1-related conditions. This variant is not present in population databases (gnomAD no frequency). This sequence change creates a premature translational stop signal (p.Gly936*) in the CRB1 gene. It is expected to result in an absent or disrupted protein product. Loss-of-function variants in CRB1 are known to be pathogenic (PMID: 10508521, 22065545, 23379534, 25412400, 26957898, 28041643, 29391521).

Blueprint Genetics
Classification: Likely pathogenic for CRB1-related disorders. Last evaluated: 2022-02-09. Review status: criteria provided, single submitter. Criteria: ACMG Guidelines, 2015. Collection method: clinical testing. Allele origin: germline. Affected: yes. Observed: 1 variant allele.

Literature cited by the submitters: PubMed 10508521 (cited by Labcorp Genetics (formerly Invitae), Labcorp); PubMed 22065545 (cited by Labcorp Genetics (formerly Invitae), Labcorp); PubMed 23379534 (cited by Labcorp Genetics (formerly Invitae), Labcorp); PubMed 25412400 (cited by Labcorp Genetics (formerly Invitae), Labcorp); PubMed 26957898 (cited by Labcorp Genetics (formerly Invitae), Labcorp); PubMed 28041643 (cited by Labcorp Genetics (formerly Invitae), Labcorp); PubMed 29391521 (cited by Labcorp Genetics (formerly Invitae), Labcorp).